The following is an entry in ClinVar:

ClinVar aggregate classification (germline): Uncertain significance (1 of 4 stars; one submission).

Conditions:
Inborn genetic diseases. Identifiers: MedGen C0950123, MeSH D030342.

Submission:

Ambry Genetics
Classification: Uncertain significance for Inborn genetic diseases. Last evaluated: 2026-08-03. Review status: criteria provided, single submitter. Criteria: Ambry Variant Classification Scheme 2023. Collection method: clinical testing. Allele origin: germline.
Comment: The p.I83L variant (also known as c.247A>C), located in coding exon 2 of the ERCC6L2 gene, results from an A to C substitution at nucleotide position 247. The isoleucine at codon 83 is replaced by leucine, an amino acid with highly similar properties. This amino acid position is conserved. In addition, the in silico prediction for this alteration is inconclusive. Based on the available evidence, the clinical significance of this variant remains unclear.

NM_020207.7(ERCC6L2):c.247A>C (p.Ile83Leu)

Gene: ERCC6L2 (ERCC excision repair 6 like 2; plus strand). Cytogenetic location: 9q22.32.
Variant type: single nucleotide variant.
Coding change: c.247A>C on transcript NM_020207.7 (MANE Select); coding-DNA position 247, A replaced by C.
Protein change: p.Ile83Leu; replaces isoleucine 83 with leucine.
Molecular consequence: missense variant. On other transcripts: non-coding transcript variant (1).
Genome position (GRCh38, 1-based): chr9:95,881,069, A>C. VCF-style: chr9-95881069-A-C. GRCh37 (hg19) VCF-style: chr9-98643351-A-C.
Other names: c.247A>C, p.Ile83Leu (NM_001010895.4, NM_001375291.1, NM_001375292.1 and 2 more transcripts); short protein forms I83L.
Identifiers: ClinVar variation 5036090 (VCV005036090.1).